The following is an entry in ClinVar:

ClinVar aggregate classification (germline): Likely benign (1 of 4 stars; one submission).

Conditions:
ROBO3-related disorder. Also called: ROBO3-related condition.

gnomAD v4.1: 2 of 1,603,560 alleles (0.00012%); highest among the groups gnomAD compares: Admixed American, 0.0017%; no homozygotes.

Submission:

PreventionGenetics, part of Exact Sciences
Classification: Likely benign for ROBO3-related condition. Last evaluated: 2026-06-22. Review status: criteria provided, single submitter. Criteria: ACMG Guidelines, 2015. Collection method: clinical testing. Allele origin: germline.
Comment: This variant is classified as likely benign based on ACMG/AMP sequence variant interpretation guidelines (Richards et al. 2015 PMID: 25741868, with internal and published modifications).

NM_022370.4(ROBO3):c.1998G>A (p.Gln666=)

Gene: ROBO3 (roundabout guidance receptor 3; plus strand). Cytogenetic location: 11q24.2.
Variant type: single nucleotide variant.
Coding change: c.1998G>A on transcript NM_022370.4 (MANE Select); coding-DNA position 1998, G replaced by A.
Protein change: p.Gln666=; no amino-acid change (glutamine 666 retained).
Molecular consequence: synonymous variant.
Genome position (GRCh38, 1-based): chr11:124,874,834, G>A. VCF-style: chr11-124874834-G-A. GRCh37 (hg19) VCF-style: chr11-124744730-G-A.
Identifiers: ClinVar variation 4983307 (VCV004983307.1).